The following is an entry in ClinVar:

NM_001278116.2(L1CAM):c.3167-2A>G

Gene: L1CAM (L1 cell adhesion molecule; minus strand). Cytogenetic location: Xq28.
Variant type: single nucleotide variant.
Coding change: c.3167-2A>G on transcript NM_001278116.2 (MANE Select); the canonical splice acceptor site of the intron before coding-DNA position 3167, A replaced by G.
Molecular consequence: splice acceptor variant.
Genome position (GRCh38, 1-based): chrX:153,864,479, T>C on the plus strand (A>G on the coding strand, the complement: L1CAM is on the minus strand). VCF-style: chrX-153864479-T-C. GRCh37 (hg19) VCF-style: chrX-153129934-T-C.
Other names: c.3152-2A>G (NM_001143963.2); c.3167-2A>G (NM_024003.3, NM_000425.5).
Identifiers: ClinVar variation 2805432 (VCV002805432.5), dbSNP rs2520966032, ClinGen allele CA415111439.

ClinVar aggregate classification (germline): Likely pathogenic. Review status: criteria provided, multiple submitters, no conflicts (2 of 4 stars). 2 submissions from 2 submitters: Likely pathogenic (2). Last evaluated 2023-07-13.

Conditions:
L1CAM-related disorders.
Spastic paraplegia. Identifiers: MedGen C0037772, HP:0001258.

Submissions (3):

Labcorp Genetics (formerly Invitae), Labcorp
Classification: Likely pathogenic for Spastic paraplegia. Last evaluated: 2023-07-13. Review status: criteria provided, single submitter. Criteria: Invitae Variant Classification Sherloc (09022015). Collection method: clinical testing. Allele origin: germline.
Comment: This sequence change affects an acceptor splice site in intron 23 of the L1CAM gene. It is expected to disrupt RNA splicing. Variants that disrupt the donor or acceptor splice site typically lead to a loss of protein function (PMID: 16199547), and loss-of-function variants in L1CAM are known to be pathogenic (PMID: 19846429). This variant is not present in population databases (gnomAD no frequency). This variant has not been reported in the literature in individuals affected with L1CAM-related conditions. Algorithms developed to predict the effect of sequence changes on RNA splicing suggest that this variant may disrupt the consensus splice site. In summary, the currently available evidence indicates that the variant is pathogenic, but additional data are needed to prove that conclusively. Therefore, this variant has been classified as Likely Pathogenic.

Blueprint Genetics
Classification: Likely pathogenic for L1CAM-related disorders. Last evaluated: 2021-03-02. Review status: criteria provided, single submitter. Criteria: ACMG Guidelines, 2015. Collection method: clinical testing. Allele origin: germline. Affected: yes. Observed: 2 variant alleles.

Dr. Peter K. Rogan Lab, Western University
No classification provided (evidence only). Condition: Thyroid cancer, nonmedullary, 1. Review status: no classification provided. Collection method: in vitro. Allele origin: not applicable. Functional consequence: retained intron. Not counted in ClinVar's aggregate classification.

Literature cited by the submitters: PubMed 16199547 (cited by Labcorp Genetics (formerly Invitae), Labcorp); PubMed 19846429 (cited by Labcorp Genetics (formerly Invitae), Labcorp).